The following is an entry in ClinVar:

ClinVar aggregate classification (germline): Likely benign (0 of 4 stars; one submission).

Conditions:
PSMC3IP-related disorder. Also called: PSMC3IP-related condition.

Allele frequency attached by ClinVar (database versions not stated): gnomAD exomes 0.00003; gnomAD 0.00009; ExAC 0.00011; TOPMed 0.00012; ESP Exome Variant Server 0.00015; 1000 Genomes Project 0.00040; 1000 Genomes Project 30x 0.00047.
gnomAD v4.1: 60 of 1,614,096 alleles (0.0037%); highest among the groups gnomAD compares: African/African-American, 0.036%; no homozygotes.

Submission:

PreventionGenetics, part of Exact Sciences
Classification: Likely benign for PSMC3IP-related condition. Last evaluated: 2019-06-18. Review status: no assertion criteria provided. Collection method: clinical testing. Allele origin: germline.
Comment: This variant is classified as likely benign based on ACMG/AMP sequence variant interpretation guidelines (Richards et al. 2015 PMID: 25741868, with internal and published modifications).

NM_016556.4(PSMC3IP):c.411C>T (p.Cys137=)

Gene: PSMC3IP (PSMC3 interacting protein; minus strand). Cytogenetic location: 17q21.2.
Variant type: single nucleotide variant.
Coding change: c.411C>T on transcript NM_016556.4 (MANE Select); coding-DNA position 411, C replaced by T.
Protein change: p.Cys137=; no amino-acid change (cysteine 137 retained).
Molecular consequence: synonymous variant. On other transcripts: non-coding transcript variant (3).
Genome position (GRCh38, 1-based): chr17:42,573,550, G>A on the plus strand (C>T on the coding strand, the complement: PSMC3IP is on the minus strand). VCF-style: chr17-42573550-G-A. GRCh37 (hg19) VCF-style: chr17-40725568-G-A.
Other names: c.222C>T, p.Cys74= (NM_001256014.2); c.174C>T, p.Cys58= (NM_001256015.2, NM_001256016.2); c.375C>T, p.Cys125= (NM_013290.7).
Identifiers: ClinVar variation 3034321 (VCV003034321.2), dbSNP rs149332082, ClinGen allele CA8578975.